The following is an entry in ClinVar:

ClinVar aggregate classification (germline): Uncertain significance (1 of 4 stars; one submission).

Submission:

GeneDx
Classification: Uncertain significance. Last evaluated: 2024-09-23. Review status: criteria provided, single submitter. Criteria: GeneDx Variant Classification Process June 2021. Collection method: clinical testing. Allele origin: germline. Affected: yes.
Comment: Not observed at significant frequency in large population cohorts (gnomAD); In silico analysis indicates that this missense variant does not alter protein structure/function; Has not been previously published as pathogenic or benign to our knowledge

NM_001372066.1(TFAP2A):c.40G>A (p.Glu14Lys)

Genes: TFAP2A (transcription factor AP-2 alpha; minus strand), TFAP2A-AS1 (TFAP2A antisense RNA 1; plus strand). Cytogenetic location: 6p24.3.
Variant type: single nucleotide variant.
Coding change: c.40G>A on transcript NM_001372066.1 (MANE Select); coding-DNA position 40, G replaced by A.
Protein change: p.Glu14Lys; replaces glutamic acid 14 with lysine.
Molecular consequence: missense variant. On other transcripts: non-coding transcript variant (1), intron variant (1).
Genome position (GRCh38, 1-based): chr6:10,414,952, C>T on the plus strand (G>A on the coding strand, the complement: TFAP2A is on the minus strand). VCF-style: chr6-10414952-C-T. GRCh37 (hg19) VCF-style: chr6-10415185-C-T.
Other names: c.33+4466G>A (NM_001042425.3); short protein forms E14K.
Identifiers: ClinVar variation 3773906 (VCV003773906.1).